The following is an entry in ClinVar:

ClinVar aggregate classification (germline): Likely pathogenic (1 of 4 stars; one submission).

Conditions:
Leukodystrophy, hypomyelinating, 6. Also called: TUBB4A-Associated Leukodystrophy; LEUKODYSTROPHY, HYPOMYELINATING, WITH ATROPHY OF THE BASAL GANGLIA AND CEREBELLUM; Hypomyelination with Atrophy of Basal Ganglia and Cerebellum (H-ABC). Identifiers: Orphanet 139441, MedGen C2676244, MONDO:0012905, OMIM 612438.

Submission:

Labcorp Genetics (formerly Invitae), Labcorp
Classification: Likely pathogenic for Leukodystrophy, hypomyelinating, 6. Last evaluated: 2019-05-22. Review status: criteria provided, single submitter. Criteria: Invitae Variant Classification Sherloc (09022015). Collection method: clinical testing. Allele origin: germline.
Comment: This sequence change replaces valine with alanine at codon 229 of the TUBB4A protein (p.Val229Ala). The valine residue is highly conserved and there is a small physicochemical difference between valine and alanine. This variant is not present in population databases (ExAC no frequency). In summary, the currently available evidence indicates that the variant is pathogenic, but additional data are needed to prove that conclusively. Therefore, this variant has been classified as Likely Pathogenic. Algorithms developed to predict the effect of missense changes on protein structure and function are either unavailable or do not agree on the potential impact of this missense change (SIFT: "Deleterious"; PolyPhen-2: "Possibly Damaging"; Align-GVGD: "Class C0").

NM_006087.4(TUBB4A):c.686T>C (p.Val229Ala)

Gene: TUBB4A (tubulin beta 4A class IVa; minus strand). Cytogenetic location: 19p13.3.
Variant type: single nucleotide variant.
Coding change: c.686T>C on transcript NM_006087.4 (MANE Select); coding-DNA position 686, T replaced by C.
Protein change: p.Val229Ala; replaces valine 229 with alanine.
Molecular consequence: missense variant.
Genome position (GRCh38, 1-based): chr19:6,495,813, A>G on the plus strand (T>C on the coding strand, the complement: TUBB4A is on the minus strand). VCF-style: chr19-6495813-A-G. GRCh37 (hg19) VCF-style: chr19-6495824-A-G.
Other names: c.839T>C, p.Val280Ala (NM_001289123.2); c.821T>C, p.Val274Ala (NM_001289127.2); c.686T>C, p.Val229Ala (NM_001289129.2); c.470T>C, p.Val157Ala (NM_001289130.2, NM_001289131.2); short protein forms V229A, V280A, V157A, V274A.
Identifiers: ClinVar variation 580978 (VCV000580978.10), dbSNP rs1568409626, ClinGen allele CA403591509.